The following is an entry in ClinVar:

NM_000548.5(TSC2):c.2564A>G (p.His855Arg)

Gene: TSC2 (TSC complex subunit 2; plus strand). Cytogenetic location: 16p13.3.
Variant type: single nucleotide variant.
Coding change: c.2564A>G on transcript NM_000548.5 (MANE Select); coding-DNA position 2564, A replaced by G.
Protein change: p.His855Arg; replaces histidine 855 with arginine.
Molecular consequence: missense variant.
Genome position (GRCh38, 1-based): chr16:2,075,817, A>G. VCF-style: chr16-2075817-A-G. GRCh37 (hg19) VCF-style: chr16-2125818-A-G.
Other names: c.2564A>G, p.His855Arg (NM_001077183.3, NM_001114382.3, NM_001363528.2 and 3 more transcripts); c.2453A>G, p.His818Arg (NM_001318827.2); c.2417A>G, p.His806Arg (NM_001318829.2); c.1964A>G, p.His655Arg (NM_001318831.2); c.2597A>G, p.His866Arg (NM_001318832.2); short protein forms H855R, H806R, H866R, H655R, H818R.
Identifiers: ClinVar variation 834303 (VCV000834303.14), dbSNP rs1424946987, ClinGen allele CA394278326.

ClinVar aggregate classification (germline): Conflicting classifications of pathogenicity. Review status: criteria provided, conflicting classifications (1 of 4 stars). 3 submissions from 3 submitters: Uncertain significance (2); Benign (1). Last evaluated 2025-09-28.

Conditions:
Tuberous sclerosis 2 (TSC2). Identifiers: Orphanet 805, MedGen C1860707, MONDO:0013199, OMIM 613254.
Hereditary cancer-predisposing syndrome. Also called: Neoplastic Syndromes, Hereditary; Hereditary neoplastic syndrome; Tumor predisposition; Hereditary Cancer Syndrome. Identifiers: Orphanet 140162, MedGen C0027672, MeSH D009386, MONDO:0015356.

gnomAD v4.1: 2 of 1,612,688 alleles (0.00012%); highest among the groups gnomAD compares: Admixed American, 0.0033%; no homozygotes.

Submissions (3):

Labcorp Genetics (formerly Invitae), Labcorp
Classification: Benign for Tuberous sclerosis 2. Last evaluated: 2025-09-28. Review status: criteria provided, single submitter. Criteria: Invitae Variant Classification Sherloc (09022015). Collection method: clinical testing. Allele origin: germline.

GeneDx
Classification: Uncertain significance. Last evaluated: 2024-08-25. Review status: criteria provided, single submitter. Criteria: GeneDx Variant Classification Process June 2021. Collection method: clinical testing. Allele origin: germline. Affected: yes.
Comment: In silico analysis supports that this missense variant has a deleterious effect on protein structure/function; Has not been previously published as pathogenic or benign to our knowledge

Ambry Genetics
Classification: Uncertain significance for Hereditary cancer-predisposing syndrome. Last evaluated: 2024-06-24. Review status: criteria provided, single submitter. Criteria: Ambry Variant Classification Scheme 2023. Collection method: clinical testing. Allele origin: germline.
Comment: The p.H855R variant (also known as c.2564A>G), located in coding exon 22 of the TSC2 gene, results from an A to G substitution at nucleotide position 2564. The histidine at codon 855 is replaced by arginine, an amino acid with highly similar properties. This amino acid position is well conserved in available vertebrate species. In addition, the in silico prediction for this alteration is inconclusive. Based on the available evidence, the clinical significance of this variant remains unclear.